The following is an entry in ClinVar:

NM_000426.4(LAMA2):c.7983C>T (p.Phe2661=)

Gene: LAMA2 (laminin subunit alpha 2; plus strand). Cytogenetic location: 6q22.33.
Variant type: single nucleotide variant.
Coding change: c.7983C>T on transcript NM_000426.4 (MANE Select); coding-DNA position 7983, C replaced by T.
Protein change: p.Phe2661=; no amino-acid change (phenylalanine 2661 retained).
Molecular consequence: synonymous variant.
Genome position (GRCh38, 1-based): chr6:129,491,985, C>T. VCF-style: chr6-129491985-C-T. GRCh37 (hg19) VCF-style: chr6-129813130-C-T.
Other names: c.7971C>T, p.Phe2657= (NM_001079823.2).
Identifiers: ClinVar variation 702446 (VCV000702446.13), dbSNP rs150184189, ClinGen allele CA3994713.

ClinVar aggregate classification (germline): Likely benign. Review status: criteria provided, single submitter (1 of 4 stars). 2 submissions from 2 submitters: Likely benign (1). 1 of the submissions does not count toward it. Last evaluated 2026-01-24.

Conditions:
LAMA2-related disorder. Also called: LAMA2-related condition; LAMA2-related disorders.
LAMA2-related muscular dystrophy (LAMA2-RD). Also called: Laminin alpha 2-related dystrophy. Identifiers: MedGen C5679788, MONDO:0100228.

Allele frequency attached by ClinVar (database versions not stated): gnomAD exomes 0.00003 and 0.00010; ExAC 0.00012; 1000 Genomes Project 30x 0.00016; 1000 Genomes Project 0.00020; ESP Exome Variant Server 0.00023; gnomAD 0.00025 and 0.00027; TOPMed 0.00026.
gnomAD v4.1: 91 of 1,613,916 alleles (0.0056%); highest among the groups gnomAD compares: East Asian, 0.058%; no homozygotes.

Submissions (2):

Labcorp Genetics (formerly Invitae), Labcorp
Classification: Likely benign for LAMA2-related muscular dystrophy. Last evaluated: 2026-01-24. Review status: criteria provided, single submitter. Criteria: Invitae Variant Classification Sherloc (09022015). Collection method: clinical testing. Allele origin: germline.

PreventionGenetics, part of Exact Sciences
Classification: Likely benign for LAMA2-related condition. Last evaluated: 2019-06-03. Review status: no assertion criteria provided. Collection method: clinical testing. Allele origin: germline. Not counted in ClinVar's aggregate classification.
Comment: This variant is classified as likely benign based on ACMG/AMP sequence variant interpretation guidelines (Richards et al. 2015 PMID: 25741868, with internal and published modifications).